The following is an entry in ClinVar:

ClinVar aggregate classification (germline): Uncertain significance (1 of 4 stars; one submission).

Conditions:
Primary ciliary dyskinesia. Also called: Ciliary dyskinesia. Identifiers: Orphanet 244, MedGen C0008780, MONDO:0016575, HP:0012265.

Allele frequency attached by ClinVar (database versions not stated): gnomAD exomes 0.00001 and 0.00003; ExAC 0.00003; gnomAD 0.00003; TOPMed 0.00007; ESP Exome Variant Server 0.00008.

Submission:

Labcorp Genetics (formerly Invitae), Labcorp
Classification: Uncertain significance for Primary ciliary dyskinesia. Last evaluated: 2022-07-23. Review status: criteria provided, single submitter. Criteria: Invitae Variant Classification Sherloc (09022015). Collection method: clinical testing. Allele origin: germline.
Comment: This sequence change replaces arginine, which is basic and polar, with tryptophan, which is neutral and slightly polar, at codon 736 of the DRC1 protein (p.Arg736Trp). This variant is present in population databases (rs373441736, gnomAD 0.03%). This variant has not been reported in the literature in individuals affected with DRC1-related conditions. ClinVar contains an entry for this variant (Variation ID: 962295). Algorithms developed to predict the effect of missense changes on protein structure and function are either unavailable or do not agree on the potential impact of this missense change (SIFT: "Deleterious"; PolyPhen-2: "Benign"; Align-GVGD: "Class C0"). In summary, the available evidence is currently insufficient to determine the role of this variant in disease. Therefore, it has been classified as a Variant of Uncertain Significance.

NM_145038.5(DRC1):c.2206C>T (p.Arg736Trp)

Gene: DRC1 (dynein regulatory complex subunit 1; plus strand). Cytogenetic location: 2p23.3.
Variant type: single nucleotide variant.
Coding change: c.2206C>T on transcript NM_145038.5 (MANE Select); coding-DNA position 2206, C replaced by T.
Protein change: p.Arg736Trp; replaces arginine 736 with tryptophan.
Molecular consequence: missense variant.
Genome position (GRCh38, 1-based): chr2:26,456,500, C>T. VCF-style: chr2-26456500-C-T. GRCh37 (hg19) VCF-style: chr2-26679368-C-T.
Other names: short protein forms R736W.
Identifiers: ClinVar variation 962295 (VCV000962295.7), dbSNP rs373441736, ClinGen allele CA1562583.